The following is an entry in ClinVar:

ClinVar aggregate classification (germline): Uncertain significance (1 of 4 stars; one submission).

Conditions:
Hereditary cancer-predisposing syndrome. Also called: Neoplastic Syndromes, Hereditary; Tumor predisposition; Hereditary Cancer Syndrome; Hereditary neoplastic syndrome. Identifiers: Orphanet 140162, MedGen C0027672, MeSH D009386, MONDO:0015356.

Submission:

Ambry Genetics
Classification: Uncertain significance for Hereditary cancer-predisposing syndrome. Last evaluated: 2025-10-28. Review status: criteria provided, single submitter. Criteria: Ambry Variant Classification Scheme 2023. Collection method: clinical testing. Allele origin: germline.
Comment: The p.N367S variant (also known as c.1100A>G), located in coding exon 8 of the BMPR1A gene, results from an A to G substitution at nucleotide position 1100. The asparagine at codon 367 is replaced by serine, an amino acid with highly similar properties. This amino acid position is conserved. In addition, the in silico prediction for this alteration is inconclusive. Based on the available evidence, the clinical significance of this variant remains unclear.

NM_004329.3(BMPR1A):c.1100A>G (p.Asn367Ser)

Gene: BMPR1A (bone morphogenetic protein receptor type 1A; plus strand). Cytogenetic location: 10q23.2.
Variant type: single nucleotide variant.
Coding change: c.1100A>G on transcript NM_004329.3 (MANE Select); coding-DNA position 1100, A replaced by G.
Protein change: p.Asn367Ser; replaces asparagine 367 with serine.
Molecular consequence: missense variant. On other transcripts: non-coding transcript variant (3).
Genome position (GRCh38, 1-based): chr10:86,919,403, A>G. VCF-style: chr10-86919403-A-G. GRCh37 (hg19) VCF-style: chr10-88679160-A-G.
Other names: c.1175A>G, p.Asn392Ser (NM_001406559.1); c.1148A>G, p.Asn383Ser (NM_001406560.1); c.1100A>G, p.Asn367Ser (NM_001406561.1, NM_001406562.1, NM_001406563.1 and 19 more transcripts); c.1094A>G, p.Asn365Ser (NM_001406583.1); c.1016A>G, p.Asn339Ser (NM_001406584.1, NM_001406585.1, NM_001406586.1 and 2 more transcripts); c.758A>G, p.Asn253Ser (NM_001406589.1); short protein forms N253S, N383S, N339S, N365S, N367S, N392S.
Identifiers: ClinVar variation 4623396 (VCV004623396.1).